The following is an entry in ClinVar:

NM_001458.5(FLNC):c.2122-15G>A

Genes: FLNC (filamin C; plus strand), LOC129999273 (ATAC-STARR-seq lymphoblastoid silent region 18616; plus strand). Cytogenetic location: 7q32.1.
Variant type: single nucleotide variant.
Coding change: c.2122-15G>A on transcript NM_001458.5 (MANE Select); 15 bases into the intron before coding-DNA position 2122, G replaced by A.
Molecular consequence: intron variant.
Genome position (GRCh38, 1-based): chr7:128,842,216, G>A. VCF-style: chr7-128842216-G-A. GRCh37 (hg19) VCF-style: chr7-128482270-G-A.
Other names: c.2122-15G>A (NM_001127487.2).
Identifiers: ClinVar variation 3762230 (VCV003762230.2).
Genomic context (GRCh38, chr7:128,842,216, plus strand): 5'-TGGGTTCACCTGCGGCCAGCAGAGGGCGCTCTGCAGAGGCCACAGCTATGAACTTTGCTT[G>A]GGTGATGCCCACAGGACGCCGACGGCTGTCCCATCGACATCAAGGTGATCCCCAACGGCG-3'

ClinVar aggregate classification (germline): Uncertain significance (1 of 4 stars; one submission).

Conditions:
Hypertrophic cardiomyopathy 26. Also called: Cardiomyopathy, familial hypertrophic, 26. Identifiers: Orphanet 75249, MedGen C4310749, MONDO:0014883, OMIM 617047.
Distal myopathy with posterior leg and anterior hand involvement. Also called: WILLIAMS DISTAL MYOPATHY. Identifiers: Orphanet 63273, MedGen C3279722, MONDO:0013550, OMIM 614065.
Myofibrillar myopathy 5. Also called: Filaminopathy (type); FILAMINOPATHY, AUTOSOMAL DOMINANT. Identifiers: Orphanet 171445, MedGen C1836050, MONDO:0012289, OMIM 609524.

gnomAD v4.1: 1 of 1,613,356 alleles (0.000062%); highest among the groups gnomAD compares: Non-Finnish European, 0.000085%; no homozygotes.

Submission:

Labcorp Genetics (formerly Invitae), Labcorp
Classification: Uncertain significance for Distal myopathy with posterior leg and anterior hand involvement; Myofibrillar myopathy 5; Hypertrophic cardiomyopathy 26. Last evaluated: 2024-11-04. Review status: criteria provided, single submitter. Criteria: Invitae Variant Classification Sherloc (09022015). Collection method: clinical testing. Allele origin: germline.
Comment: This sequence change falls in intron 13 of the FLNC gene. It does not directly change the encoded amino acid sequence of the FLNC protein. This variant is not present in population databases (gnomAD no frequency). This variant has not been reported in the literature in individuals affected with FLNC-related conditions. Algorithms developed to predict the effect of sequence changes on RNA splicing suggest that this variant may disrupt the consensus splice site. In summary, the available evidence is currently insufficient to determine the role of this variant in disease. Therefore, it has been classified as a Variant of Uncertain Significance.